The following is an entry in ClinVar:

NM_001018005.2(TPM1):c.371A>C (p.Glu124Ala)

Gene: TPM1 (tropomyosin 1; plus strand). Cytogenetic location: 15q22.2.
Variant type: single nucleotide variant.
Coding change: c.371A>C on transcript NM_001018005.2 (MANE Select); coding-DNA position 371, A replaced by C.
Protein change: p.Glu124Ala; replaces glutamic acid 124 with alanine.
Molecular consequence: missense variant. On other transcripts: non-coding transcript variant (17).
Genome position (GRCh38, 1-based): chr15:63,057,115, A>C. VCF-style: chr15-63057115-A-C. GRCh37 (hg19) VCF-style: chr15-63349314-A-C.
Other names: c.371A>C, p.Glu124Ala (NM_000366.6, NM_001018004.2, NM_001018006.2 and 20 more transcripts); c.263A>C, p.Glu88Ala (NM_001018008.2, NM_001301289.2, NM_001330344.2 and 9 more transcripts); c.497A>C, p.Glu166Ala (NM_001365778.1, NM_001407322.1, NM_001407323.1 and 1 more transcripts); short protein forms E166A, E124A, E88A.
Identifiers: ClinVar variation 3653764 (VCV003653764.2).

ClinVar aggregate classification (germline): Uncertain significance (1 of 4 stars; one submission).

Conditions:
Hypertrophic cardiomyopathy. Also called: HYPERTROPHIC MYOCARDIOPATHY. Identifiers: Orphanet 217569, MedGen C0007194, MeSH D002312, MONDO:0005045, HP:0001639.

Submission:

Labcorp Genetics (formerly Invitae), Labcorp
Classification: Uncertain significance for Hypertrophic cardiomyopathy. Last evaluated: 2024-05-18. Review status: criteria provided, single submitter. Criteria: Invitae Variant Classification Sherloc (09022015). Collection method: clinical testing. Allele origin: germline.
Comment: This sequence change replaces glutamic acid, which is acidic and polar, with alanine, which is neutral and non-polar, at codon 124 of the TPM1 protein (p.Glu124Ala). This variant is not present in population databases (gnomAD no frequency). This variant has not been reported in the literature in individuals affected with TPM1-related conditions. An algorithm developed to predict the effect of missense changes on protein structure and function (PolyPhen-2) suggests that this variant is likely to be disruptive. In summary, the available evidence is currently insufficient to determine the role of this variant in disease. Therefore, it has been classified as a Variant of Uncertain Significance.